The following is an entry in ClinVar:

ClinVar aggregate classification (germline): Benign/Likely benign. Review status: criteria provided, multiple submitters, no conflicts (2 of 4 stars). 3 submissions from 3 submitters: Benign (1); Likely benign (2). Last evaluated 2019-01-13.

Conditions:
Disorders of Intracellular Cobalamin Metabolism. Identifiers: MedGen CN043592.

Allele frequency attached by ClinVar (database versions not stated): 1000 Genomes Project 0.00799; 1000 Genomes Project 30x 0.00843; gnomAD 0.01624 and 0.01706; TOPMed 0.01665; gnomAD exomes 0.01995.
gnomAD v4.1: 16,498 of 856,372 alleles (1.9%); highest among the groups gnomAD compares: Non-Finnish European, 2.5%; 200 homozygotes.

Submissions (3):

GeneDx
Classification: Likely benign. Last evaluated: 2019-01-13. Review status: criteria provided, single submitter. Criteria: GeneDx Variant Classification Process June 2021. Collection method: clinical testing. Allele origin: germline. Affected: yes.

Illumina Laboratory Services, Illumina
Classification: Benign for Disorders of Intracellular Cobalamin Metabolism. Last evaluated: 2018-01-13. Review status: criteria provided, single submitter. Criteria: ICSL Variant Classification Criteria 13 December 2019. Collection method: clinical testing. Allele origin: germline.
Comment: This variant was observed in the ICSL laboratory as part of a predisposition screen in an ostensibly healthy population. It had not been previously curated by ICSL or reported in the Human Gene Mutation Database (HGMD: prior to June 1st, 2018), and was therefore a candidate for classification through an automated scoring system. Utilizing variant allele frequency, disease prevalence and penetrance estimates, and inheritance mode, an automated score was calculated to assess if this variant is too frequent to cause the disease. Based on the score and internal cut-off values, a variant classified as benign is not then subjected to further curation. The score for this variant resulted in a classification of benign for this disease.

Breakthrough Genomics
Classification: Likely benign. Review status: criteria provided, single submitter. Criteria: ACMG Guidelines, 2015. Collection method: not provided. Allele origin: germline. Inheritance: Autosomal recessive inheritance. Affected: yes.

NM_002454.3(MTRR):c.*151A>G

Gene: MTRR (5-methyltetrahydrofolate-homocysteine methyltransferase reductase; plus strand). Cytogenetic location: 5p15.31.
Variant type: single nucleotide variant.
Coding change: c.*151A>G on transcript NM_002454.3 (MANE Select); 151 bases downstream of the stop codon, A replaced by G.
Molecular consequence: 3 prime UTR variant. On other transcripts: non-coding transcript variant (14).
Genome position (GRCh38, 1-based): chr5:7,900,209, A>G. VCF-style: chr5-7900209-A-G. GRCh37 (hg19) VCF-style: chr5-7900322-A-G.
Other names: c.*151A>G (NM_001364440.2, NM_001364441.2, NM_001364442.2 and 1 more transcripts).
Identifiers: ClinVar variation 908021 (VCV000908021.7), dbSNP rs112465197, ClinGen allele CA113818587.